The following is an entry in ClinVar:

ClinVar aggregate classification (germline): Likely benign. Review status: criteria provided, multiple submitters, no conflicts (2 of 4 stars). 3 submissions from 3 submitters: Likely benign (2). 1 of the submissions does not count toward it. Last evaluated 2023-10-19.

Conditions:
PCNT-related disorder. Also called: PCNT-related condition.

Allele frequency attached by ClinVar (database versions not stated): ExAC 0.00002; gnomAD 0.00002; TOPMed 0.00002.
gnomAD v4.1: 7 of 1,594,566 alleles (0.00044%); highest among the groups gnomAD compares: African/African-American, 0.0053%; no homozygotes.

Submissions (3):

Labcorp Genetics (formerly Invitae), Labcorp
Classification: Likely benign. Last evaluated: 2023-10-19. Review status: criteria provided, single submitter. Criteria: Invitae Variant Classification Sherloc (09022015). Collection method: clinical testing. Allele origin: germline.

Blueprint Genetics
Classification: Likely benign. Last evaluated: 2023-09-13. Review status: criteria provided, single submitter. Criteria: ACMG Guidelines, 2015. Collection method: clinical testing. Allele origin: germline.

PreventionGenetics, part of Exact Sciences
Classification: Likely benign for PCNT-related condition. Last evaluated: 2021-10-19. Review status: no assertion criteria provided. Collection method: clinical testing. Allele origin: germline. Not counted in ClinVar's aggregate classification.
Comment: This variant is classified as likely benign based on ACMG/AMP sequence variant interpretation guidelines (Richards et al. 2015 PMID: 25741868, with internal and published modifications).

NM_006031.6(PCNT):c.721-4G>A

Gene: PCNT (pericentrin; plus strand). Cytogenetic location: 21q22.3.
Variant type: single nucleotide variant.
Coding change: c.721-4G>A on transcript NM_006031.6 (MANE Select); 4 bases into the intron before coding-DNA position 721, G replaced by A.
Molecular consequence: intron variant.
Genome position (GRCh38, 1-based): chr21:46,346,739, G>A. VCF-style: chr21-46346739-G-A. GRCh37 (hg19) VCF-style: chr21-47766653-G-A.
Other names: c.367-4G>A (NM_001315529.2); c.721-4G>A (NM_006031.5).
Identifiers: ClinVar variation 3002740 (VCV003002740.6), dbSNP rs759614231, ClinGen allele CA10078397.